The following is an entry in ClinVar:

NM_017617.5(NOTCH1):c.3263G>A (p.Gly1088Asp)

Gene: NOTCH1 (notch receptor 1; minus strand). Cytogenetic location: 9q34.3.
Variant type: single nucleotide variant.
Coding change: c.3263G>A on transcript NM_017617.5 (MANE Select); coding-DNA position 3263, G replaced by A.
Protein change: p.Gly1088Asp; replaces glycine 1088 with aspartic acid.
Molecular consequence: missense variant.
Genome position (GRCh38, 1-based): chr9:136,508,294, C>T on the plus strand (G>A on the coding strand, the complement: NOTCH1 is on the minus strand). VCF-style: chr9-136508294-C-T. GRCh37 (hg19) VCF-style: chr9-139402746-C-T.
Other names: c.3263G>A (NM_017617.3); short protein forms G1088D.
Identifiers: ClinVar variation 2761082 (VCV002761082.4), dbSNP rs2133347328, ClinGen allele CA375552074.

ClinVar aggregate classification (germline): Uncertain significance. Review status: criteria provided, multiple submitters, no conflicts (2 of 4 stars). 2 submissions from 2 submitters: Uncertain significance (2). Last evaluated 2026-04-04.

Conditions:
Adams-Oliver syndrome 5 (AOS5). Identifiers: Orphanet 974, MedGen C4014970, MONDO:0014459, OMIM 616028.

Submissions (2):

GeneDx
Classification: Uncertain significance. Last evaluated: 2026-04-04. Review status: criteria provided, single submitter. Criteria: GeneDx Variant Classification Process June 2021. Collection method: clinical testing. Allele origin: germline.
Comment: Not observed at significant frequency in large population cohorts (gnomAD); In silico analysis supports that this missense variant has a deleterious effect on protein structure/function; Has not been previously published as pathogenic or benign to our knowledge

Labcorp Genetics (formerly Invitae), Labcorp
Classification: Uncertain significance for Adams-Oliver syndrome 5. Last evaluated: 2025-11-05. Review status: criteria provided, single submitter. Criteria: Invitae Variant Classification Sherloc (09022015). Collection method: clinical testing. Allele origin: germline.
Comment: This sequence change replaces glycine, which is neutral and non-polar, with aspartic acid, which is acidic and polar, at codon 1088 of the NOTCH1 protein (p.Gly1088Asp). This variant is not present in population databases (gnomAD no frequency). This variant has not been reported in the literature in individuals affected with NOTCH1-related conditions. ClinVar contains an entry for this variant (Variation ID: 2761082). Invitae Evidence Modeling of protein sequence and biophysical properties (such as structural, functional, and spatial information, amino acid conservation, physicochemical variation, residue mobility, and thermodynamic stability) indicates that this missense variant is not expected to disrupt NOTCH1 protein function with a negative predictive value of 80%. In summary, the available evidence is currently insufficient to determine the role of this variant in disease. Therefore, it has been classified as a Variant of Uncertain Significance.